The following is an entry in ClinVar:

ClinVar aggregate classification (germline): Likely pathogenic. Review status: criteria provided, multiple submitters, no conflicts (2 of 4 stars). 3 submissions from 3 submitters: Likely pathogenic (3). Last evaluated 2025-07-03.

Conditions:
Familial cancer of breast. Also called: BREAST CANCER, FAMILIAL; Hereditary breast cancer; hereditary breast carcinoma. Identifiers: Orphanet 227535, MedGen C0346153, MONDO:0016419, OMIM 114480. Disease mechanism: loss of function.
Hereditary cancer-predisposing syndrome. Also called: Tumor predisposition; Hereditary neoplastic syndrome; Neoplastic Syndromes, Hereditary; Hereditary Cancer Syndrome. Identifiers: Orphanet 140162, MedGen C0027672, MeSH D009386, MONDO:0015356.

Submissions (3):

Ambry Genetics
Classification: Likely pathogenic for Hereditary cancer-predisposing syndrome. Last evaluated: 2025-07-03. Review status: criteria provided, single submitter. Criteria: Ambry Variant Classification Scheme 2023. Collection method: clinical testing. Allele origin: germline.
Comment: The c.1546delT variant, located in coding exon 14 of the CHEK2 gene, results from a deletion of one nucleotide at nucleotide position 1546, causing a translational frameshift with a predicted alternate stop codon (p.S516Lfs*50). This alteration occurs at the 3' terminus of the CHEK2 gene, is not expected to trigger nonsense-mediated mRNAdecay, and results in the elongation of the protein by 21 amino acids. This frameshift impacts the last 28amino acids of the native protein. Frameshifts are typically deleterious in nature and the impacted region is critical for protein function. This frameshift impacts the only known functional nuclear localization signal at the C-terminus of this protein (Zannini L et al. J Biol Chem. 2003 Oct 24;278(43):42346-51). Based on the majority of available evidence to date, this variant is likely to be pathogenic.

Labcorp Genetics (formerly Invitae), Labcorp
Classification: Likely pathogenic for Familial cancer of breast. Last evaluated: 2024-09-19. Review status: criteria provided, single submitter. Criteria: Invitae Variant Classification Sherloc (09022015). Collection method: clinical testing. Allele origin: germline.
Comment: This sequence change results in a frameshift in the CHEK2 gene (p.Ser516Leufs*50). While this is not anticipated to result in nonsense mediated decay, it is expected to disrupt the last 28 amino acid(s) of the CHEK2 protein and extend the protein by 21 additional amino acid residues. This variant is not present in population databases (gnomAD no frequency). This variant has not been reported in the literature in individuals affected with CHEK2-related conditions. ClinVar contains an entry for this variant (Variation ID: 949869). This variant disrupts the nuclear localization signal (NLS) of the CHEK2 protein, which is critical for proper nuclear localization (PMID: 18004398, 12909615). While functional studies have not been performed to directly test the effect of this variant on CHEK2 protein function, this suggests that disruption of this region of the protein is causative of disease. In summary, the currently available evidence indicates that the variant is pathogenic, but additional data are needed to prove that conclusively. Therefore, this variant has been classified as Likely Pathogenic.

Myriad Genetics, Inc.
Classification: Likely pathogenic for Familial cancer of breast. Last evaluated: 2024-01-29. Review status: criteria provided, single submitter. Criteria: Myriad Autosomal Dominant, Autosomal Recessive and X-Linked Classification Criteria (2023). Collection method: clinical testing. Allele origin: unknown.
Comment: This variant is considered likely pathogenic. This variant creates a frameshift predicted to result in the incorporation of abnormal amino acid sequence into the protein product and abnormal protein elongation.

Literature cited by the submitters: PubMed 18004398 (cited by Labcorp Genetics (formerly Invitae), Labcorp); PubMed 12909615 (cited by Labcorp Genetics (formerly Invitae), Labcorp).

NM_007194.4(CHEK2):c.1546del (p.Ser516fs)

Gene: CHEK2 (checkpoint kinase 2; minus strand). Cytogenetic location: 22q12.1.
Variant type: Deletion.
Coding change: c.1546del on transcript NM_007194.4 (MANE Select); coding-DNA position 1546, one base deleted (T; older notation c.1546delT).
Protein change: p.Ser516fs; shifts the reading frame from serine 516.
Molecular consequence: frameshift variant.
Genome position (GRCh38, 1-based): chr22:28,687,983, A deleted on the plus strand (T on the coding strand, the reverse complement: CHEK2 is on the minus strand); the first of 2 consecutive A bases (chr22:28,687,983-28,687,984); deleting either gives the same sequence. VCF-style (leftmost placement, unchanged base first): chr22-28687982-GA-G. GRCh37 (hg19) VCF-style: chr22-29083970-GA-G.
Other names: c.1546delT (NM_007194.3); c.1674delT, p.Ser559Leufs (NM_001005735.3); c.882delT, p.Ser295Leufs (NM_001257387.3); c.1344delT, p.Ser449Leufs (NM_001349956.3); c.1458delT, p.Ser487Leufs (NM_145862.3); short protein forms S449fs, S516fs, S559fs, S295fs, S487fs.
Identifiers: ClinVar variation 949869 (VCV000949869.12), dbSNP rs1555911636, ClinGen allele CA1139667012.